The following is an entry in ClinVar:

ClinVar aggregate classification (germline): Uncertain significance (1 of 4 stars; one submission).

Submission:

Labcorp Genetics (formerly Invitae), Labcorp
Classification: Uncertain significance. Last evaluated: 2024-01-26. Review status: criteria provided, single submitter. Criteria: Invitae Variant Classification Sherloc (09022015). Collection method: clinical testing. Allele origin: germline.
Comment: This sequence change falls in intron 3 of the FGF12 gene. It does not directly change the encoded amino acid sequence of the FGF12 protein. It affects a nucleotide within the consensus splice site. This variant is not present in population databases (gnomAD no frequency). This variant has not been reported in the literature in individuals affected with FGF12-related conditions. Variants that disrupt the consensus splice site are a relatively common cause of aberrant splicing (PMID: 17576681, 9536098). Algorithms developed to predict the effect of sequence changes on RNA splicing suggest that this variant may disrupt the consensus splice site. In summary, the available evidence is currently insufficient to determine the role of this variant in disease. Therefore, it has been classified as a Variant of Uncertain Significance.

Literature cited by the submitters: PubMed 17576681; PubMed 9536098.

NM_004113.6(FGF12):c.228+4A>G

Gene: FGF12 (fibroblast growth factor 12; minus strand). Cytogenetic location: 3q28.
Variant type: single nucleotide variant.
Coding change: c.228+4A>G on transcript NM_004113.6 (MANE Select); 4 bases into the intron after coding-DNA position 228, A replaced by G.
Molecular consequence: intron variant.
Genome position (GRCh38, 1-based): chr3:192,335,357, T>C on the plus strand (A>G on the coding strand, the complement: FGF12 is on the minus strand). VCF-style: chr3-192335357-T-C. GRCh37 (hg19) VCF-style: chr3-192053146-T-C.
Other names: c.156+4A>G (NM_001377293.1, NM_001377294.1); c.117+4A>G (NM_001377292.1); c.414+4A>G (NM_021032.5).
Identifiers: ClinVar variation 2705661 (VCV002705661.3), dbSNP rs2474335383, ClinGen allele CA2697557034.
Genomic context (GRCh38, chr3:192,335,357, plus strand): 5'-ACTCCATTACCTCTCAGTGGTAGTTCACACACATACACACAAATACACACTACAATGTAC[T>C]TACTGAACTGTAGAGATAGCCTTCACCATTCATGGCCACATAGAGGCTAGCCTTCACTCC-3'